The following is an entry in ClinVar:

ClinVar aggregate classification (germline): Benign/Likely benign. Review status: criteria provided, multiple submitters, no conflicts (2 of 4 stars). 7 submissions from 7 submitters: Benign (3); Likely benign (3). 1 of the submissions does not count toward it. Last evaluated 2026-01-14.

Conditions:
Melanoma, cutaneous malignant, susceptibility to, 3. Also called: Cutaneous malignant melanoma 3. Identifiers: Orphanet 618, MedGen C1836892, MONDO:0012183, OMIM 609048.
CDK4-related disorder. Also called: CDK4-related condition.
Familial melanoma. Also called: Hereditary melanoma; Hereditary cutaneous melanoma. Identifiers: Orphanet 618, MedGen C1512419, MONDO:0018961.
Hereditary cancer-predisposing syndrome. Also called: Hereditary neoplastic syndrome; Tumor predisposition; Neoplastic Syndromes, Hereditary; Hereditary Cancer Syndrome. Identifiers: Orphanet 140162, MedGen C0027672, MeSH D009386, MONDO:0015356.

Allele frequency attached by ClinVar (database versions not stated): gnomAD exomes 0.00001 and 0.00004; gnomAD 0.00010 and 0.00011; TOPMed 0.00017.
gnomAD v4.1: 36 of 1,613,918 alleles (0.0022%); highest among the groups gnomAD compares: Admixed American, 0.048%; no homozygotes.

Submissions (7):

Labcorp Genetics (formerly Invitae), Labcorp
Classification: Likely benign for Familial melanoma. Last evaluated: 2026-01-14. Review status: criteria provided, single submitter. Criteria: Invitae Variant Classification Sherloc (09022015). Collection method: clinical testing. Allele origin: germline.

CeGaT Center for Human Genetics Tuebingen
Classification: Likely benign. Last evaluated: 2025-08-01. Review status: criteria provided, single submitter. Criteria: CeGaT Center For Human Genetics Tuebingen Variant Classification Criteria Version 2. Collection method: clinical testing. Allele origin: germline. Affected: yes. Observed: 1 variant allele.
Comment: CDK4: BP4, BP7

Myriad Genetics, Inc.
Classification: Benign for Melanoma, cutaneous malignant, susceptibility to, 3. Last evaluated: 2024-09-26. Review status: criteria provided, single submitter. Criteria: Myriad Autosomal Dominant, Autosomal Recessive and X-Linked Classification Criteria (2023). Collection method: clinical testing. Allele origin: unknown.
Comment: This variant is considered benign. This variant is a silent/synonymous amino acid change and it is not expected to impact splicing.

Quest Diagnostics Nichols Institute San Juan Capistrano
Classification: Benign. Last evaluated: 2018-05-11. Review status: criteria provided, single submitter. Criteria: Quest Diagnostics criteria. Collection method: clinical testing. Allele origin: germline.

Ambry Genetics
Classification: Likely benign for Hereditary cancer-predisposing syndrome. Last evaluated: 2016-07-13. Review status: criteria provided, single submitter. Criteria: Ambry Variant Classification Scheme 2023. Collection method: clinical testing. Allele origin: germline.

GeneDx
Classification: Benign. Last evaluated: 2015-05-19. Review status: criteria provided, single submitter. Criteria: GeneDx Variant Classification Process June 2021. Collection method: clinical testing. Allele origin: germline. Affected: yes.

PreventionGenetics, part of Exact Sciences
Classification: Likely benign for CDK4-related condition. Last evaluated: 2024-09-28. Review status: no assertion criteria provided. Collection method: clinical testing. Allele origin: germline. Not counted in ClinVar's aggregate classification.
Comment: This variant is classified as likely benign based on ACMG/AMP sequence variant interpretation guidelines (Richards et al. 2015 PMID: 25741868, with internal and published modifications).

NM_000075.4(CDK4):c.813G>A (p.Leu271=)

Genes: CDK4 (cyclin dependent kinase 4; minus strand), TSPAN31 (tetraspanin 31; plus strand). Cytogenetic location: 12q14.1.
Variant type: single nucleotide variant.
Coding change: c.813G>A on transcript NM_000075.4 (MANE Select); coding-DNA position 813, G replaced by A.
Protein change: p.Leu271=; no amino-acid change (leucine 271 retained).
Molecular consequence: synonymous variant. On other transcripts: 3 prime UTR variant (3).
Genome position (GRCh38, 1-based): chr12:57,749,188, C>T on the plus strand (G>A on the coding strand, the complement: CDK4 is on the minus strand). VCF-style: chr12-57749188-C-T. GRCh37 (hg19) VCF-style: chr12-58142971-C-T.
Other names: c.*1898C>T (NM_001330168.2, NM_001330169.2, NM_005981.5).
Identifiers: ClinVar variation 483283 (VCV000483283.28), dbSNP rs1487727732, ClinGen allele CA480299664.